The following is an entry in ClinVar:

NM_007294.4(BRCA1):c.1141A>T (p.Lys381Ter)

Gene: BRCA1 (BRCA1 DNA repair associated; minus strand). Cytogenetic location: 17q21.31.
Variant type: single nucleotide variant.
Coding change: c.1141A>T on transcript NM_007294.4 (MANE Select); coding-DNA position 1141, A replaced by T.
Protein change: p.Lys381Ter; replaces lysine 381 with a stop codon.
Molecular consequence: nonsense. On other transcripts: intron variant (137).
Genome position (GRCh38, 1-based): chr17:43,094,390, T>A on the plus strand (A>T on the coding strand, the complement: BRCA1 is on the minus strand). VCF-style: chr17-43094390-T-A. GRCh37 (hg19) VCF-style: chr17-41246407-T-A.
Other names: c.928A>T, p.Lys310Ter (NM_001407571.1, NM_001407853.1, NM_001407894.1 and 9 more transcripts); c.1141A>T, p.Lys381Ter (NM_001407581.1, NM_001407582.1, NM_001407583.1 and 30 more transcripts); c.1138A>T, p.Lys380Ter (NM_001407587.1, NM_001407590.1, NM_001407591.1 and 22 more transcripts); c.1132A>T, p.Lys378Ter (NM_001407646.1, NM_001407647.1); c.1018A>T, p.Lys340Ter (NM_001407648.1, NM_001407664.1, NM_001407665.1 and 19 more transcripts); c.1015A>T, p.Lys339Ter (NM_001407649.1, NM_001407670.1, NM_001407671.1 and 11 more transcripts); c.1063A>T, p.Lys355Ter (NM_001407653.1, NM_001407654.1, NM_001407655.1 and 4 more transcripts); c.1060A>T, p.Lys354Ter (NM_001407659.1, NM_001407660.1, NM_001407661.1 and 1 more transcripts); and 40 more; short protein forms K381*, K334*, K253*, K293*, K355*, K213*, K269*, K310*.
Identifiers: ClinVar variation 54145 (VCV000054145.19), dbSNP rs80357385, ClinGen allele CA000760.

ClinVar aggregate classification (germline): Pathogenic. Review status: reviewed by expert panel (3 of 4 stars). 8 submissions from 8 submitters: Pathogenic (1). 7 of the submissions do not count toward it. Last evaluated 2016-09-08.

Conditions:
Hereditary cancer-predisposing syndrome. Also called: Tumor predisposition; Neoplastic Syndromes, Hereditary; Hereditary Cancer Syndrome; Hereditary neoplastic syndrome. Identifiers: Orphanet 140162, MedGen C0027672, MeSH D009386, MONDO:0015356.
Hereditary breast ovarian cancer syndrome. Also called: Hereditary breast and ovarian cancer syndrome (HBOC); Hereditary breast and ovarian cancer syndrome; Hereditary breast and ovarian cancer; Hereditary breast and/or ovarian cancer syndrome; Breast and ovarian cancer; BRCA1- and BRCA2-Associated Hereditary Breast and Ovarian Cancer. Identifiers: Orphanet 145, MedGen C0677776, MeSH D061325, MONDO:0003582. Disease mechanism: loss of function.
Breast-ovarian cancer, familial, susceptibility to, 1 (BROVCA1). Also called: OVARIAN CANCER, SUSCEPTIBILITY TO; BRCA1 Hereditary Breast and Ovarian Cancer. Identifiers: Orphanet 145, MedGen C2676676, MONDO:0011450, OMIM 604370. Disease mechanism: loss of function.

Submissions (8):

Evidence-based Network for the Interpretation of Germline Mutant Alleles (ENIGMA)
Classification: Pathogenic for Breast-ovarian cancer, familial, susceptibility to, 1. Last evaluated: 2016-09-08. Review status: reviewed by expert panel. Criteria: ENIGMA BRCA1/2 Classification Criteria (2015). Collection method: curation. Allele origin: germline.
Comment: Variant allele predicted to encode a truncated non-functional protein.

Quest Diagnostics Nichols Institute San Juan Capistrano
Classification: Pathogenic. Last evaluated: 2024-12-19. Review status: criteria provided, single submitter. Criteria: Quest Diagnostics criteria. Collection method: clinical testing. Allele origin: unknown. Not counted in ClinVar's aggregate classification.
Comment: The BRCA1 c.1141A>T (p.Lys381*) variant causes the premature termination of BRCA1 protein synthesis. This variant has been reported in the published literature in individuals with breast cancer (PMID: 29337092 (2018), 21918854 (2012)) and ovarian cancer (PMID: 28176296 (2017)). This variant has not been reported in large, multi-ethnic general populations (Genome Aggregation Database). Based on the available information, this variant is classified as pathogenic.

Labcorp Genetics (formerly Invitae), Labcorp
Classification: Pathogenic for Hereditary breast ovarian cancer syndrome. Last evaluated: 2024-11-25. Review status: criteria provided, single submitter. Criteria: Invitae Variant Classification Sherloc (09022015). Collection method: clinical testing. Allele origin: germline. Not counted in ClinVar's aggregate classification.
Comment: This sequence change creates a premature translational stop signal (p.Lys381*) in the BRCA1 gene. It is expected to result in an absent or disrupted protein product. Loss-of-function variants in BRCA1 are known to be pathogenic (PMID: 20104584). This variant is not present in population databases (gnomAD no frequency). This premature translational stop signal has been observed in individual(s) with breast and/or ovarian cancer (PMID: 9664122, 21918854, 28176296, 28294317, 29446198). This variant is also known as 1260A>T. ClinVar contains an entry for this variant (Variation ID: 54145). For these reasons, this variant has been classified as Pathogenic.

Ambry Genetics
Classification: Pathogenic for Hereditary cancer-predisposing syndrome. Last evaluated: 2024-11-11. Review status: criteria provided, single submitter. Criteria: Ambry Variant Classification Scheme 2023. Collection method: clinical testing. Allele origin: germline. Not counted in ClinVar's aggregate classification.
Comment: The p.K381* pathogenic mutation (also known as c.1141A>T), located in coding exon 9 of the BRCA1 gene, results from an A to T substitution at nucleotide position 1141. This changes the amino acid from a lysine to a stop codon within coding exon 9. This mutation has been reported in multiple hereditary breast and ovarian cancer (HBOC) cohorts (Garcia-Pati&ntilde;o E et al. Acta Oncol, 1998;37:299-300; Cheung LW et al. FEBS Lett, 2007 Oct;581:4668-74; Keshavarzi F et al. Fam Cancer, 2012 Mar;11:57-67; Lang GT et al. Int J Cancer, 2017 07;141:129-142; Shi T et al. Int J Cancer, 2017 05;140:2051-2059; Copson ER et al. Lancet Oncol, 2018 02;19:169-180; Rebbeck TR et al. Hum Mutat, 2018 05;39:593-620). Of note, this alteration is also designated as A1260T in published literature. This variant is considered to be rare based on population cohorts in the Genome Aggregation Database (gnomAD). In addition to the clinical data presented in the literature, this alteration is expected to result in loss of function by premature protein truncation or nonsense-mediated mRNA decay. As such, this alteration is interpreted as a disease-causing mutation.

Color Diagnostics, LLC DBA Color Health
Classification: Pathogenic for Hereditary cancer-predisposing syndrome. Last evaluated: 2022-02-01. Review status: criteria provided, single submitter. Criteria: ACMG Guidelines, 2015. Collection method: clinical testing. Allele origin: germline. Not counted in ClinVar's aggregate classification.
Comment: This variant changes 1 nucleotide in exon 10 of the BRCA1 gene, creating a premature translation stop signal. This variant is expected to result in an absent or non-functional protein product. A functional study has shown that the variant causes altered protein expression, decreased homologous repair efficiency, and an increased level of chromosomal aberrations compared to wild type (PMID: 34855882). To our knowledge, this variant has not been reported in individuals affected with hereditary cancer in the literature. This variant has not been identified in the general population by the Genome Aggregation Database (gnomAD). Loss of BRCA1 function is a known mechanism of disease. Based on the available evidence, this variant is classified as Pathogenic.

Women's Health and Genetics/Laboratory Corporation of America, LabCorp
Classification: Pathogenic for Hereditary breast and ovarian cancer syndrome. Last evaluated: 2018-07-11. Review status: criteria provided, single submitter. Criteria: LabCorp Variant Classification Summary - May 2015. Collection method: clinical testing. Allele origin: germline. Not counted in ClinVar's aggregate classification.
Comment: Variant summary: BRCA1 c.1141A>T (p.Lys381X) results in a premature termination codon, predicted to cause a truncation of the encoded protein or absence of the protein due to nonsense mediated decay, which are commonly known mechanisms for disease. The variant was absent in 245912 control chromosomes (gnomAD). The variant, c.1141A>T, has been reported in the literature in multiple individuals affected with Hereditary Breast and Ovarian Cancer ((Garcia-Patino_1998, Lang_2017, Rebbeck_2018, Shi_2017, Keshavarzi_2013). These data indicate that the variant is very likely to be associated with disease. To our knowledge, no experimental evidence demonstrating an impact on protein function has been reported. Two ClinVar submissions from clinical diagnostic laboratories (evaluation after 2014) cite the variant as "pathogenic." Based on the evidence outlined above, the variant was classified as pathogenic.

Consortium of Investigators of Modifiers of BRCA1/2 (CIMBA), c/o University of Cambridge
Classification: Pathogenic for Breast-ovarian cancer, familial, susceptibility to, 1. Last evaluated: 2015-10-02. Review status: criteria provided, single submitter. Criteria: CIMBA Mutation Classification guidelines May 2016. Collection method: clinical testing. Allele origin: germline. Not counted in ClinVar's aggregate classification.

Breast Cancer Information Core (BIC) (BRCA1)
Classification: Pathogenic for Breast-ovarian cancer, familial 1. Last evaluated: 2007-01-18. Review status: no assertion criteria provided. Collection method: clinical testing. Allele origin: germline. Affected: yes. Observed: 1 variant allele. Not counted in ClinVar's aggregate classification.

Literature cited by the submitters: PubMed 31825140 (cited by Quest Diagnostics Nichols Institute San Juan Capistrano); PubMed 29446198 (cited by 4 submitters); PubMed 28176296 (cited by 4 submitters); PubMed 29337092 (cited by Quest Diagnostics Nichols Institute San Juan Capistrano and Ambry Genetics); PubMed 28294317 (cited by 4 submitters); PubMed 21918854 (cited by 4 submitters); PubMed 20104584 (cited by Labcorp Genetics (formerly Invitae), Labcorp); PubMed 9664122 (cited by Labcorp Genetics (formerly Invitae), Labcorp and Women's Health and Genetics/Laboratory Corporation of America, LabCorp); PubMed 17826769 (cited by Ambry Genetics); PubMed 9677103 (cited by Ambry Genetics); PubMed 34855882 (cited by Color Diagnostics, LLC DBA Color Health).